The following is an entry in ClinVar:

ClinVar aggregate classification (germline): Uncertain significance. Review status: criteria provided, multiple submitters, no conflicts (2 of 4 stars). 2 submissions from 2 submitters: Uncertain significance (2). Last evaluated 2024-10-16.

Conditions:
Myopathy with tubular aggregates (TAM). Also called: Tubular Aggregate Myopathy. Identifiers: Orphanet 2593, MedGen C0410207, MONDO:0008051.
Stormorken syndrome (STRMK). Also called: THROMBOCYTOPATHY, ASPLENIA, AND MIOSIS. Identifiers: Orphanet 3204, MedGen C1861451, MONDO:0008497, OMIM 185070.
Combined immunodeficiency due to STIM1 deficiency. Also called: IMMUNODEFICIENCY 10; STIM1 DEFICIENCY. Identifiers: Orphanet 169090, Orphanet 317430, MedGen C2748557, MONDO:0013008, OMIM 612783.
Inborn genetic diseases. Identifiers: MedGen C0950123, MeSH D030342.

Allele frequency attached by ClinVar (database versions not stated): ExAC 0.00001; TOPMed 0.00002; ESP Exome Variant Server 0.00008.
gnomAD v4.1: 12 of 1,613,980 alleles (0.00074%); highest among the groups gnomAD compares: Admixed American, 0.0017%; no homozygotes.

Submissions (2):

Labcorp Genetics (formerly Invitae), Labcorp
Classification: Uncertain significance for Myopathy with tubular aggregates; Combined immunodeficiency due to STIM1 deficiency; Stormorken syndrome. Last evaluated: 2024-10-16. Review status: criteria provided, single submitter. Criteria: Invitae Variant Classification Sherloc (09022015). Collection method: clinical testing. Allele origin: germline.
Comment: This sequence change replaces arginine, which is basic and polar, with tryptophan, which is neutral and slightly polar, at codon 184 of the STIM1 protein (p.Arg184Trp). The frequency data for this variant in the population databases is considered unreliable, as metrics indicate poor data quality at this position in the gnomAD database. This variant has not been reported in the literature in individuals affected with STIM1-related conditions. ClinVar contains an entry for this variant (Variation ID: 952836). Invitae Evidence Modeling of protein sequence and biophysical properties (such as structural, functional, and spatial information, amino acid conservation, physicochemical variation, residue mobility, and thermodynamic stability) has been performed for this missense variant. However, the output from this modeling did not meet the statistical confidence thresholds required to predict the impact of this variant on STIM1 protein function. In summary, the available evidence is currently insufficient to determine the role of this variant in disease. Therefore, it has been classified as a Variant of Uncertain Significance.

Ambry Genetics
Classification: Uncertain significance for Inborn genetic diseases. Last evaluated: 2024-06-14. Review status: criteria provided, single submitter. Criteria: Ambry Variant Classification Scheme 2023. Collection method: clinical testing. Allele origin: germline.
Comment: The c.550C>T (p.R184W) alteration is located in exon 5 (coding exon 5) of the STIM1 gene. This alteration results from a C to T substitution at nucleotide position 550, causing the arginine (R) at amino acid position 184 to be replaced by a tryptophan (W). Based on data from gnomAD, the T allele has an overall frequency of <0.001% (1/251366) total alleles studied. The highest observed frequency was 0.003% (1/34590) of Latino alleles. This amino acid position is highly conserved in available vertebrate species. The in silico prediction for this alteration is inconclusive. Based on insufficient or conflicting evidence, the clinical significance of this alteration remains unclear.

NM_001382567.1(STIM1):c.550C>T (p.Arg184Trp)

Gene: STIM1 (stromal interaction molecule 1; plus strand). Cytogenetic location: 11p15.4.
Variant type: single nucleotide variant.
Coding change: c.550C>T on transcript NM_001382567.1 (MANE Select); coding-DNA position 550, C replaced by T.
Protein change: p.Arg184Trp; replaces arginine 184 with tryptophan.
Molecular consequence: missense variant. On other transcripts: non-coding transcript variant (3), intron variant (1).
Genome position (GRCh38, 1-based): chr11:4,059,333, C>T. VCF-style: chr11-4059333-C-T. GRCh37 (hg19) VCF-style: chr11-4080563-C-T.
Other names: c.550C>T, p.Arg184Trp (NM_001277961.3, NM_001277962.2, NM_001382568.1 and 2 more transcripts); c.328C>T, p.Arg110Trp (NM_001382566.1, NM_001382573.1, NM_001382574.1 and 5 more transcripts); c.415C>T, p.Arg139Trp (NM_001382569.1); c.70C>T, p.Arg24Trp (NM_001382571.1); c.61C>T, p.Arg21Trp (NM_001382580.1, NM_001382581.1); c.386-10693C>T (NM_001382570.1); short protein forms R139W, R110W, R184W, R21W, R24W.
Identifiers: ClinVar variation 952836 (VCV000952836.9), dbSNP rs368391164, ClinGen allele CA5830253.